The following is an entry in ClinVar:

ClinVar aggregate classification (germline): Uncertain significance (1 of 4 stars; one submission).

Conditions:
Rubinstein-Taybi syndrome due to EP300 haploinsufficiency. Also called: EP300-Related Rubinstein-Taybi Syndrome; RUBINSTEIN-TAYBI SYNDROME 2. Identifiers: Orphanet 353284, Orphanet 783, MedGen C3150941, MONDO:0013364, OMIM 613684.

gnomAD v4.1: 1 of 1,613,708 alleles (0.000062%); highest among the groups gnomAD compares: Non-Finnish European, 0.000085%; no homozygotes.

Submission:

Labcorp Genetics (formerly Invitae), Labcorp
Classification: Uncertain significance for Rubinstein-Taybi syndrome due to EP300 haploinsufficiency. Last evaluated: 2024-02-07. Review status: criteria provided, single submitter. Criteria: Invitae Variant Classification Sherloc (09022015). Collection method: clinical testing. Allele origin: germline.
Comment: This sequence change replaces isoleucine, which is neutral and non-polar, with methionine, which is neutral and non-polar, at codon 537 of the EP300 protein (p.Ile537Met). This variant is not present in population databases (gnomAD no frequency). This variant has not been reported in the literature in individuals affected with EP300-related conditions. Advanced modeling of protein sequence and biophysical properties (such as structural, functional, and spatial information, amino acid conservation, physicochemical variation, residue mobility, and thermodynamic stability) performed at Invitae indicates that this missense variant is not expected to disrupt EP300 protein function with a negative predictive value of 80%. In summary, the available evidence is currently insufficient to determine the role of this variant in disease. Therefore, it has been classified as a Variant of Uncertain Significance.

NM_001429.4(EP300):c.1611A>G (p.Ile537Met)

Gene: EP300 (EP300 lysine acetyltransferase; plus strand). Cytogenetic location: 22q13.2.
Variant type: single nucleotide variant.
Coding change: c.1611A>G on transcript NM_001429.4 (MANE Select); coding-DNA position 1611, A replaced by G.
Protein change: p.Ile537Met; replaces isoleucine 537 with methionine.
Molecular consequence: missense variant.
Genome position (GRCh38, 1-based): chr22:41,135,895, A>G. VCF-style: chr22-41135895-A-G. GRCh37 (hg19) VCF-style: chr22-41531899-A-G.
Other names: c.1611A>G, p.Ile537Met (NM_001362843.2); short protein forms I537M.
Identifiers: ClinVar variation 3671898 (VCV003671898.2).
Genomic context (GRCh38, chr22:41,135,895, plus strand): 5'-TGGAGGTGTAGGAGTTCAAACGCCGAGTCTTCTTTCTGACTCAATGTTGCATTCAGCCAT[A>G]AATTCTCAAAAGTAAGTCTTAACGTGATTTATACCCTGGGTCACATTACAAATACTACTG-3'
Protein context (NP_001420.2, residues 527-547): LLSDSMLHSA[Ile537Met]NSQNPMMSEN